The following is an entry in ClinVar:

NM_004329.3(BMPR1A):c.213T>C (p.Ala71=)

Gene: BMPR1A (bone morphogenetic protein receptor type 1A; plus strand). Cytogenetic location: 10q23.2.
Variant type: single nucleotide variant.
Coding change: c.213T>C on transcript NM_004329.3 (MANE Select); coding-DNA position 213, T replaced by C.
Protein change: p.Ala71=; no amino-acid change (alanine 71 retained).
Molecular consequence: synonymous variant.
Genome position (GRCh38, 1-based): chr10:86,890,207, T>C. VCF-style: chr10-86890207-T-C. GRCh37 (hg19) VCF-style: chr10-88649964-T-C.
Identifiers: ClinVar variation 482874 (VCV000482874.9), dbSNP rs1554888138, ClinGen allele CA470304595.

ClinVar aggregate classification (germline): Benign/Likely benign. Review status: criteria provided, multiple submitters, no conflicts (2 of 4 stars). 4 submissions from 4 submitters: Benign (1); Likely benign (3). Last evaluated 2025-08-22.

Conditions:
Juvenile polyposis syndrome (JPS). Identifiers: Orphanet 2929, MedGen C0345893, MONDO:0017380, OMIM 174900.
Hereditary cancer-predisposing syndrome. Also called: Hereditary neoplastic syndrome; Neoplastic Syndromes, Hereditary; Tumor predisposition; Hereditary Cancer Syndrome. Identifiers: Orphanet 140162, MedGen C0027672, MeSH D009386, MONDO:0015356.

Allele frequency attached by ClinVar (database versions not stated): gnomAD exomes below 0.00001; TOPMed below 0.00001; gnomAD 0.00001.
gnomAD v4.1: 4 of 1,614,052 alleles (0.00025%); highest among the groups gnomAD compares: South Asian, 0.0022%; no homozygotes.

Submissions (4):

Color Diagnostics, LLC DBA Color Health
Classification: Likely benign for Hereditary cancer-predisposing syndrome. Last evaluated: 2025-08-22. Review status: criteria provided, single submitter. Criteria: ACMG Guidelines, 2015. Collection method: clinical testing. Allele origin: germline.

Labcorp Genetics (formerly Invitae), Labcorp
Classification: Likely benign for Juvenile polyposis syndrome. Last evaluated: 2025-03-21. Review status: criteria provided, single submitter. Criteria: Invitae Variant Classification Sherloc (09022015). Collection method: clinical testing. Allele origin: germline.

Myriad Genetics, Inc.
Classification: Benign for Juvenile polyposis syndrome. Last evaluated: 2024-07-31. Review status: criteria provided, single submitter. Criteria: Myriad Autosomal Dominant, Autosomal Recessive and X-Linked Classification Criteria (2023). Collection method: clinical testing. Allele origin: unknown.
Comment: This variant is considered benign. This variant is a silent/synonymous amino acid change and it is not expected to impact splicing.

Ambry Genetics
Classification: Likely benign for Hereditary cancer-predisposing syndrome. Last evaluated: 2016-11-14. Review status: criteria provided, single submitter. Criteria: Ambry Variant Classification Scheme 2023. Collection method: clinical testing. Allele origin: germline.